The following is an entry in ClinVar:

ClinVar aggregate classification (germline): Conflicting classifications of pathogenicity. Review status: criteria provided, conflicting classifications (1 of 4 stars). 4 submissions from 4 submitters: Uncertain significance (2); Likely benign (2). Last evaluated 2026-01-18.

Conditions:
Hereditary cancer-predisposing syndrome. Also called: Neoplastic Syndromes, Hereditary; Hereditary neoplastic syndrome; Tumor predisposition; Hereditary Cancer Syndrome. Identifiers: Orphanet 140162, MedGen C0027672, MeSH D009386, MONDO:0015356.
POLD1-related polyposis and colorectal cancer syndrome (CRCS10). Also called: Colorectal cancer 10; COLORECTAL CANCER, SUSCEPTIBILITY TO, ON CHROMOSOME 19q; Colorectal cancer, susceptibility to, 10. Identifiers: Orphanet 220460, MedGen C2675481, MONDO:0012953, OMIM 612591.

Allele frequency attached by ClinVar (database versions not stated): gnomAD 0.00001; gnomAD exomes 0.00002 and 0.00004; TOPMed 0.00002; ExAC 0.00005.

Submissions (4):

Labcorp Genetics (formerly Invitae), Labcorp
Classification: Uncertain significance for POLD1-related polyposis and colorectal cancer syndrome. Last evaluated: 2026-01-18. Review status: criteria provided, single submitter. Criteria: Invitae Variant Classification Sherloc (09022015). Collection method: clinical testing. Allele origin: germline.
Comment: This sequence change replaces valine, which is neutral and non-polar, with methionine, which is neutral and non-polar, at codon 861 of the POLD1 protein (p.Val861Met). This variant is present in population databases (rs762113011, gnomAD 0.05%). This variant has not been reported in the literature in individuals affected with POLD1-related conditions. ClinVar contains an entry for this variant (Variation ID: 469276). Invitae Evidence Modeling of protein sequence and biophysical properties (such as structural, functional, and spatial information, amino acid conservation, physicochemical variation, residue mobility, and thermodynamic stability) indicates that this missense variant is not expected to disrupt POLD1 protein function with a negative predictive value of 80%. In summary, the available evidence is currently insufficient to determine the role of this variant in disease. Therefore, it has been classified as a Variant of Uncertain Significance.

Ambry Genetics
Classification: Likely benign for Hereditary cancer-predisposing syndrome. Last evaluated: 2025-04-30. Review status: criteria provided, single submitter. Criteria: Ambry Variant Classification Scheme 2023. Collection method: clinical testing. Allele origin: germline.

Women's Health and Genetics/Laboratory Corporation of America, LabCorp
Classification: Likely benign. Last evaluated: 2024-11-21. Review status: criteria provided, single submitter. Criteria: LabCorp Variant Classification Summary - May 2015. Collection method: clinical testing. Allele origin: germline.
Comment: Variant summary: POLD1 c.2581G>A (p.Val861Met) results in a conservative amino acid change located in the DNA polymerase family B domain (IPR006134) of the encoded protein sequence. Four of five in-silico tools predict a benign effect of the variant on protein function. The variant allele was found at a frequency of 1.4e-05 in 1612784 control chromosomes, predominantly at a frequency of 0.00049 within the East Asian subpopulation in the gnomAD database. The observed variant frequency within East Asian control individuals in the gnomAD database is approximately 34.5 fold of the estimated maximal expected allele frequency for a pathogenic variant in POLD1 causing Colorectal Cancer phenotype (1.4e-05). c.2581G>A has been reported in the literature in the heterozygous state in at least 1 individual affected with endometrial cancer, without strong evidence for causality (example, Tian_2019). These report(s) do not provide unequivocal conclusions about association of the variant with Colorectal Cancer. To our knowledge, no experimental evidence demonstrating an impact on protein function has been reported. The following publication has been ascertained in the context of this evaluation (PMID: 31054147). ClinVar contains an entry for this variant (Variation ID: 469276). Based on the evidence outlined above, the variant was classified as likely benign.

GeneDx
Classification: Uncertain significance. Last evaluated: 2023-04-05. Review status: criteria provided, single submitter. Criteria: GeneDx Variant Classification Process June 2021. Collection method: clinical testing. Allele origin: germline. Affected: yes.
Comment: In silico analysis supports that this missense variant does not alter protein structure/function; Has not been previously published as pathogenic or benign to our knowledge

Literature cited by the submitters: PubMed 31054147 (cited by Women's Health and Genetics/Laboratory Corporation of America, LabCorp).

NM_002691.4(POLD1):c.2581G>A (p.Val861Met)

Gene: POLD1 (DNA polymerase delta 1, catalytic subunit; plus strand). Cytogenetic location: 19q13.33.
Variant type: single nucleotide variant.
Coding change: c.2581G>A on transcript NM_002691.4 (MANE Select); coding-DNA position 2581, G replaced by A.
Protein change: p.Val861Met; replaces valine 861 with methionine.
Molecular consequence: missense variant. On other transcripts: non-coding transcript variant (1).
Genome position (GRCh38, 1-based): chr19:50,415,454, G>A. VCF-style: chr19-50415454-G-A. GRCh37 (hg19) VCF-style: chr19-50918711-G-A.
Other names: c.2581G>A, p.Val861Met (NM_001256849.1); c.2659G>A, p.Val887Met (NM_001308632.1); c.2581G>A (NM_002691.2); short protein forms V887M, V861M.
Identifiers: ClinVar variation 469276 (VCV000469276.14), dbSNP rs762113011, ClinGen allele CA9596594.